The following is an entry in ClinVar:

NM_001374736.1(DST):c.21465C>G (p.Thr7155=)

Gene: DST (dystonin; minus strand). Cytogenetic location: 6p12.1.
Variant type: single nucleotide variant.
Coding change: c.21465C>G on transcript NM_001374736.1 (MANE Select); coding-DNA position 21465, C replaced by G.
Protein change: p.Thr7155=; no amino-acid change (threonine 7155 retained).
Molecular consequence: synonymous variant.
Genome position (GRCh38, 1-based): chr6:56,482,116, G>C on the plus strand (C>G on the coding strand, the complement: DST is on the minus strand). VCF-style: chr6-56482116-G-C. GRCh37 (hg19) VCF-style: chr6-56346914-G-C.
Other names: c.15108C>G, p.Thr5036= (NM_001144769.5); c.14694C>G, p.Thr4898= (NM_001144770.2); c.21465C>G, p.Thr7155= (NM_001374722.1); c.20505C>G, p.Thr6835= (NM_001374729.1); c.14247C>G, p.Thr4749= (NM_001374730.1); c.21492C>G, p.Thr7164= (NM_001374734.1); c.14574C>G, p.Thr4858= (NM_001386100.1, NM_183380.4); c.13596C>G, p.Thr4532= (NM_015548.5).
Identifiers: ClinVar variation 4788187 (VCV004788187.1).

ClinVar aggregate classification (germline): Uncertain significance (1 of 4 stars; one submission).

Conditions:
Epidermolysis bullosa simplex 3, localized or generalized intermediate, with BP230 deficiency (EBS3). Also called: Epidermolysis bullosa simplex, autosomal recessive 2; Epidermolysis bullosa simplex due to BP230 deficiency. Identifiers: Orphanet 412181, MedGen C3809470, MONDO:0014180, OMIM 615425.
Hereditary sensory and autonomic neuropathy type 6. Also called: HSAN VI; Neuropathy, hereditary sensory and autonomic, type VI. Identifiers: Orphanet 314381, MedGen C3539003, MONDO:0013839, OMIM 614653.

gnomAD v4.1: 11 of 1,613,526 alleles (0.00068%); highest among the groups gnomAD compares: Non-Finnish European, 0.00085%; no homozygotes.

Submission:

Labcorp Genetics (formerly Invitae), Labcorp
Classification: Uncertain significance for Epidermolysis bullosa simplex 3, localized or generalized intermediate, with BP230 deficiency; Hereditary sensory and autonomic neuropathy type 6. Last evaluated: 2026-01-10. Review status: criteria provided, single submitter. Criteria: Invitae Variant Classification Sherloc (09022015). Collection method: clinical testing. Allele origin: germline.
Comment: The DST gene has multiple clinically relevant transcripts. This variant occurs in alternate transcript NM_015548.4, and corresponds to NM_001723.5:c.*133401C>G in the primary transcript. This sequence change affects codon 4532 of the DST mRNA. It is a 'silent' change, meaning that it does not change the encoded amino acid sequence of the DST protein. This variant is not present in population databases (gnomAD no frequency). This variant has not been reported in the literature in individuals affected with DST-related conditions. Experimental studies and prediction algorithms are not available or were not evaluated, and the effect of this variant on mRNA splicing is currently unknown. In summary, the available evidence is currently insufficient to determine the role of this variant in disease. Therefore, it has been classified as a Variant of Uncertain Significance.